The following is an entry in ClinVar:

ClinVar aggregate classification (germline): Conflicting classifications of pathogenicity. Review status: criteria provided, conflicting classifications (1 of 4 stars). 4 submissions from 4 submitters: Uncertain significance (1); Likely benign (2). 1 of the submissions does not count toward it. Last evaluated 2025-12-17.

Conditions:
SPTB-related disorder. Also called: SPTB-Related Disorders; SPTB-related condition.

Allele frequency attached by ClinVar (database versions not stated): TOPMed 0.00045; gnomAD 0.00046 and 0.00048; gnomAD exomes 0.00059; ESP Exome Variant Server 0.00069.
gnomAD v4.1: 925 of 1,613,822 alleles (0.057%); highest among the groups gnomAD compares: Non-Finnish European, 0.072%; 1 homozygote.

Submissions (4):

Mayo Clinic Laboratories, Mayo Clinic
Classification: Uncertain significance. Last evaluated: 2025-12-17. Review status: criteria provided, single submitter. Criteria: ACMG Guidelines, 2015. Collection method: clinical testing. Allele origin: germline. Observed: 3 variant alleles.

Labcorp Genetics (formerly Invitae), Labcorp
Classification: Likely benign. Last evaluated: 2025-04-10. Review status: criteria provided, single submitter. Criteria: Invitae Variant Classification Sherloc (09022015). Collection method: clinical testing. Allele origin: germline.

ARUP Laboratories, Molecular Genetics and Genomics, ARUP Laboratories
Classification: Likely benign. Last evaluated: 2023-10-04. Review status: criteria provided, single submitter. Criteria: ARUP Molecular Germline Variant Investigation Process 2024. Collection method: clinical testing. Allele origin: germline.

PreventionGenetics, part of Exact Sciences
Classification: Likely benign for SPTB-related condition. Last evaluated: 2022-10-07. Review status: no assertion criteria provided. Collection method: clinical testing. Allele origin: germline. Not counted in ClinVar's aggregate classification.
Comment: This variant is classified as likely benign based on ACMG/AMP sequence variant interpretation guidelines (Richards et al. 2015 PMID: 25741868, with internal and published modifications).

Literature cited by the submitters: PubMed 35845192 (cited by Mayo Clinic Laboratories, Mayo Clinic).

NM_001355436.2(SPTB):c.3479G>A (p.Arg1160His)

Gene: SPTB (spectrin beta, erythrocytic; minus strand). Cytogenetic location: 14q23.3.
Variant type: single nucleotide variant.
Coding change: c.3479G>A on transcript NM_001355436.2 (MANE Select); coding-DNA position 3479, G replaced by A.
Protein change: p.Arg1160His; replaces arginine 1160 with histidine.
Molecular consequence: missense variant.
Genome position (GRCh38, 1-based): chr14:64,786,486, C>T on the plus strand (G>A on the coding strand, the complement: SPTB is on the minus strand). VCF-style: chr14-64786486-C-T. GRCh37 (hg19) VCF-style: chr14-65253204-C-T.
Other names: c.3479G>A (NM_001024858.2); c.3479G>A, p.Arg1160His (NM_001024858.4, NM_001355437.2); short protein forms R1160H.
Identifiers: ClinVar variation 313738 (VCV000313738.22), dbSNP rs76283214, ClinGen allele CA7230618.